The following is an entry in ClinVar:

ClinVar aggregate classification (germline): Uncertain significance. Review status: criteria provided, multiple submitters, no conflicts (2 of 4 stars). 2 submissions from 2 submitters: Uncertain significance (2). Last evaluated 2023-06-28.

Conditions:
Hereditary cancer-predisposing syndrome. Also called: Hereditary neoplastic syndrome; Neoplastic Syndromes, Hereditary; Hereditary Cancer Syndrome; Tumor predisposition. Identifiers: Orphanet 140162, MedGen C0027672, MeSH D009386, MONDO:0015356.
Familial cancer of breast. Also called: BREAST CANCER, FAMILIAL; hereditary breast carcinoma; Hereditary breast cancer. Identifiers: Orphanet 227535, MedGen C0346153, MONDO:0016419, OMIM 114480. Disease mechanism: loss of function.

Submissions (2):

Ambry Genetics
Classification: Uncertain significance for Hereditary cancer-predisposing syndrome. Last evaluated: 2023-06-28. Review status: criteria provided, single submitter. Criteria: Ambry Variant Classification Scheme 2023. Collection method: clinical testing. Allele origin: germline.
Comment: The p.G574D variant (also known as c.1721G>A), located in coding exon 8 of the BARD1 gene, results from a G to A substitution at nucleotide position 1721. The glycine at codon 574 is replaced by aspartic acid, an amino acid with similar properties. This amino acid position is conserved. In addition, the in silico prediction for this alteration is inconclusive. Since supporting evidence is limited at this time, the clinical significance of this alteration remains unclear.

Labcorp Genetics (formerly Invitae), Labcorp
Classification: Uncertain significance for Familial cancer of breast. Last evaluated: 2022-10-08. Review status: criteria provided, single submitter. Criteria: Invitae Variant Classification Sherloc (09022015). Collection method: clinical testing. Allele origin: germline.
Comment: This sequence change replaces glycine, which is neutral and non-polar, with aspartic acid, which is acidic and polar, at codon 574 of the BARD1 protein (p.Gly574Asp). In summary, the available evidence is currently insufficient to determine the role of this variant in disease. Therefore, it has been classified as a Variant of Uncertain Significance. Algorithms developed to predict the effect of missense changes on protein structure and function are either unavailable or do not agree on the potential impact of this missense change (SIFT: "Deleterious"; PolyPhen-2: "Probably Damaging"; Align-GVGD: "Class C15"). This variant has not been reported in the literature in individuals affected with BARD1-related conditions. This variant is not present in population databases (gnomAD no frequency).

NM_000465.4(BARD1):c.1721G>A (p.Gly574Asp)

Gene: BARD1 (BRCA1 associated RING domain 1; minus strand). Cytogenetic location: 2q35.
Variant type: single nucleotide variant.
Coding change: c.1721G>A on transcript NM_000465.4 (MANE Select); coding-DNA position 1721, G replaced by A.
Protein change: p.Gly574Asp; replaces glycine 574 with aspartic acid.
Molecular consequence: missense variant. On other transcripts: non-coding transcript variant (3), intron variant (1).
Genome position (GRCh38, 1-based): chr2:214,745,811, C>T on the plus strand (G>A on the coding strand, the complement: BARD1 is on the minus strand). VCF-style: chr2-214745811-C-T. GRCh37 (hg19) VCF-style: chr2-215610535-C-T.
Other names: c.1664G>A, p.Gly555Asp (NM_001282543.2); c.368G>A, p.Gly123Asp (NM_001282545.2); c.311G>A, p.Gly104Asp (NM_001282548.2); c.365-15303G>A (NM_001282549.2); c.1721G>A (NM_000465.2); short protein forms G104D, G123D, G555D, G574D.
Identifiers: ClinVar variation 1721298 (VCV001721298.7), dbSNP rs1218730514, ClinGen allele CA350453148.